The following is an entry in ClinVar:

NM_032271.3(TRAF7):c.1567G>T (p.Val523Leu)

Gene: TRAF7 (TNF receptor associated factor 7; plus strand). Cytogenetic location: 16p13.3.
Variant type: single nucleotide variant.
Coding change: c.1567G>T on transcript NM_032271.3 (MANE Select); coding-DNA position 1567, G replaced by T.
Protein change: p.Val523Leu; replaces valine 523 with leucine.
Molecular consequence: missense variant.
Genome position (GRCh38, 1-based): chr16:2,175,563, G>T. VCF-style: chr16-2175563-G-T. GRCh37 (hg19) VCF-style: chr16-2225564-G-T.
Other names: short protein forms V523L.
Identifiers: ClinVar variation 2431621 (VCV002431621.1), dbSNP rs763780388, ClinGen allele CA276784926.

ClinVar aggregate classification (germline): Uncertain significance (1 of 4 stars; one submission).

Conditions:
Cardiac, facial, and digital anomalies with developmental delay. Identifiers: Orphanet 592570, MedGen C4748484, MONDO:0032572, OMIM 618164.

Allele frequency attached by ClinVar (database versions not stated): TOPMed 0.00001.
gnomAD v4.1: 2 of 1,613,006 alleles (0.00012%); highest among the groups gnomAD compares: Non-Finnish European, 0.000085%; no homozygotes.

Submission:

Laboratorio de Genetica e Diagnostico Molecular, Hospital Israelita Albert Einstein
Classification: Uncertain significance for Cardiac, facial, and digital anomalies with developmental delay. Last evaluated: 2022-10-06. Review status: criteria provided, single submitter. Criteria: ACMG Guidelines, 2015. Collection method: clinical testing. Allele origin: germline. Affected: yes. Observed: 1 variant allele.
Comment: ACMG classification criteria: PM2 moderated, PP2 supporting, PP3 supporting